The following is an entry in ClinVar:

ClinVar aggregate classification (germline): Benign. Review status: criteria provided, single submitter (1 of 4 stars). 2 submissions from 2 submitters: Benign (1). 1 of the submissions does not count toward it. Last evaluated 2023-03-09.

Conditions:
TENM4-related disorder. Also called: TENM4-related condition.

Allele frequency attached by ClinVar (database versions not stated): ExAC 0.02495; 1000 Genomes Project 30x 0.01718; TOPMed 0.01917; gnomAD exomes 0.02558; 1000 Genomes Project 0.01498; gnomAD 0.02101; ESP Exome Variant Server 0.01861.
gnomAD v4.1: 40,657 of 1,613,116 alleles (2.5%); highest among the groups gnomAD compares: South Asian, 2.9%; 636 homozygotes.

Submissions (2):

Mayo Clinic Laboratories, Mayo Clinic
Classification: Benign. Last evaluated: 2023-03-09. Review status: criteria provided, single submitter. Criteria: ACMG Guidelines, 2015. Collection method: clinical testing. Allele origin: germline. Observed: 29 variant alleles.
Comment: BS1, BS2, BP4, BP7

PreventionGenetics, part of Exact Sciences
Classification: Benign for TENM4-related condition. Last evaluated: 2019-07-08. Review status: no assertion criteria provided. Collection method: clinical testing. Allele origin: germline. Not counted in ClinVar's aggregate classification.
Comment: This variant is classified as benign based on ACMG/AMP sequence variant interpretation guidelines (Richards et al. 2015 PMID: 25741868, with internal and published modifications).

NM_001098816.3(TENM4):c.5535C>T (p.Arg1845=)

Gene: TENM4 (teneurin transmembrane protein 4; minus strand). Cytogenetic location: 11q14.1.
Variant type: single nucleotide variant.
Coding change: c.5535C>T on transcript NM_001098816.3 (MANE Select); coding-DNA position 5535, C replaced by T.
Protein change: p.Arg1845=; no amino-acid change (arginine 1845 retained).
Molecular consequence: synonymous variant.
Genome position (GRCh38, 1-based): chr11:78,672,291, G>A on the plus strand (C>T on the coding strand, the complement: TENM4 is on the minus strand). VCF-style: chr11-78672291-G-A. GRCh37 (hg19) VCF-style: chr11-78383336-G-A.
Other names: p.Arg1845=.
Identifiers: ClinVar variation 3041789 (VCV003041789.3), dbSNP rs111604043, ClinGen allele CA6206581.
Genomic context (GRCh38, chr11:78,672,291, plus strand): 5'-GTACAGAATCCGAAGGGTGAACTTGCGGTGGTCATCATAGATCTTCTCTGTGCGTGTTAC[G>A]CGATCAAAGTCCAGAGATAGGAGATTTCGGTTGTGAACCTGGAGAAAGGGTTGGAAGGAA-3'
Protein context (NP_001092286.2, residues 1835-1855): NRNLLSLDFD[Arg1845=]VTRTEKIYDD